The following is an entry in ClinVar:

NM_001318852.2(MAPK8IP3):c.2035A>G (p.Asn679Asp)

Gene: MAPK8IP3 (mitogen-activated protein kinase 8 interacting protein 3; plus strand). Cytogenetic location: 16p13.3.
Variant type: single nucleotide variant.
Coding change: c.2035A>G on transcript NM_001318852.2 (MANE Select); coding-DNA position 2035, A replaced by G.
Protein change: p.Asn679Asp; replaces asparagine 679 with aspartic acid.
Molecular consequence: missense variant.
Genome position (GRCh38, 1-based): chr16:1,764,124, A>G. VCF-style: chr16-1764124-A-G. GRCh37 (hg19) VCF-style: chr16-1814125-A-G.
Other names: c.2014A>G, p.Asn672Asp (NM_001040439.2); c.2032A>G, p.Asn678Asp (NM_015133.5, NM_033392.3); short protein forms N672D, N678D, N679D.
Identifiers: ClinVar variation 3251195 (VCV003251195.18), dbSNP rs2548102817.

ClinVar aggregate classification (germline): Uncertain significance (1 of 4 stars; one submission).

Submission:

CeGaT Center for Human Genetics Tuebingen
Classification: Uncertain significance. Last evaluated: 2024-06-01. Review status: criteria provided, single submitter. Criteria: CeGaT Center For Human Genetics Tuebingen Variant Classification Criteria Version 2. Collection method: clinical testing. Allele origin: germline. Affected: yes. Observed: 1 variant allele.
Comment: MAPK8IP3: PM2, BP4